The following is an entry in ClinVar:

NM_005198.5(CHKB):c.464C>T (p.Thr155Ile)

Genes: CHKB-CPT1B (CHKB-CPT1B readthrough (NMD candidate); minus strand), CHKB (choline kinase beta; minus strand). Cytogenetic location: 22q13.33.
Variant type: single nucleotide variant.
Coding change: c.464C>T on transcript NM_005198.5 (MANE Select); coding-DNA position 464, C replaced by T.
Protein change: p.Thr155Ile; replaces threonine 155 with isoleucine.
Molecular consequence: missense variant. On other transcripts: non-coding transcript variant (1).
Genome position (GRCh38, 1-based): chr22:50,581,537, G>A on the plus strand (C>T on the coding strand, the complement: CHKB is on the minus strand). VCF-style: chr22-50581537-G-A. GRCh37 (hg19) VCF-style: chr22-51019966-G-A.
Other names: short protein forms T155I.
Identifiers: ClinVar variation 969907 (VCV000969907.9), dbSNP rs950085207, ClinGen allele CA412200958.

ClinVar aggregate classification (germline): Uncertain significance (1 of 4 stars; one submission).

Conditions:
Megaconial type congenital muscular dystrophy (MDCMC). Also called: CHKB-Related Muscular Dystrophy; MUSCULAR DYSTROPHY, CONGENITAL, WITH MITOCHONDRIAL STRUCTURAL ABNORMALITIES; CHKB-Related Muscle Diseases. Identifiers: Orphanet 280671, MedGen C1865233, MONDO:0011246, OMIM 602541.

gnomAD v4.1: 3 of 1,613,968 alleles (0.00019%); highest among the groups gnomAD compares: Non-Finnish European, 0.00025%; no homozygotes.

Submission:

Labcorp Genetics (formerly Invitae), Labcorp
Classification: Uncertain significance for Megaconial type congenital muscular dystrophy. Last evaluated: 2019-11-14. Review status: criteria provided, single submitter. Criteria: Invitae Variant Classification Sherloc (09022015). Collection method: clinical testing. Allele origin: germline.
Comment: This sequence change replaces threonine with isoleucine at codon 155 of the CHKB protein (p.Thr155Ile). The threonine residue is moderately conserved and there is a moderate physicochemical difference between threonine and isoleucine. This variant is not present in population databases (ExAC no frequency). This variant has not been reported in the literature in individuals with CHKB-related conditions. Algorithms developed to predict the effect of missense changes on protein structure and function are either unavailable or do not agree on the potential impact of this missense change (SIFT: "Tolerated"; PolyPhen-2: "Probably Damaging"; Align-GVGD: "Class C0"). In summary, the available evidence is currently insufficient to determine the role of this variant in disease. Therefore, it has been classified as a Variant of Uncertain Significance.